The following is an entry in ClinVar:

ClinVar aggregate classification (germline): Uncertain significance (1 of 4 stars; one submission).

Conditions:
Mendelian susceptibility to mycobacterial diseases due to complete IL12B deficiency. Also called: IL12B DEFICIENCY; Immunodeficiency 29. Identifiers: Orphanet 319558, MedGen C4013948, MONDO:0013954, OMIM 614890.

Submission:

Labcorp Genetics (formerly Invitae), Labcorp
Classification: Uncertain significance for Mendelian susceptibility to mycobacterial diseases due to complete IL12B deficiency. Last evaluated: 2019-07-26. Review status: criteria provided, single submitter. Criteria: Invitae Variant Classification Sherloc (09022015). Collection method: clinical testing. Allele origin: germline.
Comment: This sequence change replaces lysine with asparagine at codon 285 of the IL12B protein (p.Lys285Asn). The lysine residue is moderately conserved and there is a moderate physicochemical difference between lysine and asparagine. This variant also falls at the last nucleotide of exon 6 of the IL12B coding sequence, which is part of the consensus splice site for this exon. This variant is not present in population databases (ExAC no frequency). This variant has not been reported in the literature in individuals with IL12B-related conditions. Algorithms developed to predict the effect of missense changes on protein structure and function (SIFT, PolyPhen-2, Align-GVGD) all suggest that this variant is likely to be tolerated, but these predictions have not been confirmed by published functional studies and their clinical significance is uncertain. Nucleotide substitutions within the consensus splice site are a relatively common cause of aberrant splicing (PMID: 17576681, 9536098). Algorithms developed to predict the effect of sequence changes on RNA splicing suggest that this variant may disrupt the consensus splice site, but this prediction has not been confirmed by published transcriptional studies. In summary, the available evidence is currently insufficient to determine the role of this variant in disease. Therefore, it has been classified as a Variant of Uncertain Significance.

Literature cited by the submitters: PubMed 17576681; PubMed 9536098.

NM_002187.3(IL12B):c.855G>T (p.Lys285Asn)

Gene: IL12B (interleukin 12B; minus strand). Cytogenetic location: 5q33.3.
Variant type: single nucleotide variant.
Coding change: c.855G>T on transcript NM_002187.3 (MANE Select); coding-DNA position 855, G replaced by T.
Protein change: p.Lys285Asn; replaces lysine 285 with asparagine.
Molecular consequence: missense variant.
Genome position (GRCh38, 1-based): chr5:159,318,736, C>A on the plus strand (G>T on the coding strand, the complement: IL12B is on the minus strand). VCF-style: chr5-159318736-C-A. GRCh37 (hg19) VCF-style: chr5-158745744-C-A.
Other names: short protein forms K285N.
Identifiers: ClinVar variation 933254 (VCV000933254.8), dbSNP rs1754031353, ClinGen allele CA362030681.